The following is an entry in ClinVar:

ClinVar aggregate classification (germline): Uncertain significance (1 of 4 stars; one submission).

Allele frequency attached by ClinVar (database versions not stated): gnomAD exomes below 0.00001; ExAC 0.00001.
gnomAD v4.1: 3 of 1,609,602 alleles (0.00019%); highest among the groups gnomAD compares: Non-Finnish European, 0.00017%; no homozygotes.

Submission:

Labcorp Genetics (formerly Invitae), Labcorp
Classification: Uncertain significance. Last evaluated: 2023-08-30. Review status: criteria provided, single submitter. Criteria: Invitae Variant Classification Sherloc (09022015). Collection method: clinical testing. Allele origin: germline.
Comment: This sequence change replaces methionine, which is neutral and non-polar, with isoleucine, which is neutral and non-polar, at codon 4744 of the PCLO protein (p.Met4744Ile). This variant is present in population databases (rs769061873, gnomAD 0.0009%). This variant has not been reported in the literature in individuals affected with PCLO-related conditions. ClinVar contains an entry for this variant (Variation ID: 1958866). Experimental studies and prediction algorithms are not available or were not evaluated, and the functional significance of this variant is currently unknown. Algorithms developed to predict the effect of sequence changes on RNA splicing suggest that this variant may create or strengthen a splice site. In summary, the available evidence is currently insufficient to determine the role of this variant in disease. Therefore, it has been classified as a Variant of Uncertain Significance.

NM_033026.6(PCLO):c.14232G>C (p.Met4744Ile)

Gene: PCLO (piccolo presynaptic cytomatrix protein; minus strand). Cytogenetic location: 7q21.11.
Variant type: single nucleotide variant.
Coding change: c.14232G>C on transcript NM_033026.6 (MANE Select); coding-DNA position 14232, G replaced by C.
Protein change: p.Met4744Ile; replaces methionine 4744 with isoleucine.
Molecular consequence: missense variant.
Genome position (GRCh38, 1-based): chr7:82,835,684, C>G on the plus strand (G>C on the coding strand, the complement: PCLO is on the minus strand). VCF-style: chr7-82835684-C-G. GRCh37 (hg19) VCF-style: chr7-82465000-C-G.
Other names: c.14232G>C, p.Met4744Ile (NM_014510.3); short protein forms M4744I.
Identifiers: ClinVar variation 1958866 (VCV001958866.5), dbSNP rs769061873, ClinGen allele CA4318882.